The following is an entry in ClinVar:

ClinVar aggregate classification (germline): Likely benign. Review status: criteria provided, multiple submitters, no conflicts (2 of 4 stars). 2 submissions from 2 submitters: Likely benign (2). Last evaluated 2026-04-16.

Conditions:
NBAS-related disorder. Also called: NBAS-related condition.

Allele frequency attached by ClinVar (database versions not stated): ExAC 0.00012; gnomAD exomes 0.00013 and 0.00036; ESP Exome Variant Server 0.00015; gnomAD 0.00016; TOPMed 0.00016.
gnomAD v4.1: 550 of 1,613,956 alleles (0.034%); highest among the groups gnomAD compares: Non-Finnish European, 0.043%; 1 homozygote.

Submissions (2):

PreventionGenetics, part of Exact Sciences
Classification: Likely benign for NBAS-related condition. Last evaluated: 2026-04-16. Review status: criteria provided, single submitter. Criteria: ACMG Guidelines, 2015. Collection method: clinical testing. Allele origin: germline.
Comment: This variant is classified as likely benign based on ACMG/AMP sequence variant interpretation guidelines (Richards et al. 2015 PMID: 25741868, with internal and published modifications).

Labcorp Genetics (formerly Invitae), Labcorp
Classification: Likely benign. Last evaluated: 2026-01-28. Review status: criteria provided, single submitter. Criteria: Invitae Variant Classification Sherloc (09022015). Collection method: clinical testing. Allele origin: germline.

NM_015909.4(NBAS):c.1296A>G (p.Ser432=)

Gene: NBAS (NBAS subunit of NRZ tethering complex; minus strand). Cytogenetic location: 2p24.3.
Variant type: single nucleotide variant.
Coding change: c.1296A>G on transcript NM_015909.4 (MANE Select); coding-DNA position 1296, A replaced by G.
Protein change: p.Ser432=; no amino-acid change (serine 432 retained).
Molecular consequence: synonymous variant. On other transcripts: non-coding transcript variant (1).
Genome position (GRCh38, 1-based): chr2:15,475,732, T>C on the plus strand (A>G on the coding strand, the complement: NBAS is on the minus strand). VCF-style: chr2-15475732-T-C. GRCh37 (hg19) VCF-style: chr2-15615856-T-C.
Identifiers: ClinVar variation 717541 (VCV000717541.9), dbSNP rs200455586, ClinGen allele CA1536727.